The following is an entry in ClinVar:

NM_001042492.3(NF1):c.752_753insGG (p.Asp251fs)

Gene: NF1 (neurofibromin 1; plus strand). Cytogenetic location: 17q11.2.
Variant type: Insertion.
Coding change: c.752_753insGG on transcript NM_001042492.3 (MANE Select); coding-DNA positions 752 to 753, GG inserted.
Protein change: p.Asp251fs; shifts the reading frame from aspartic acid 251.
Molecular consequence: frameshift variant.
Genome position: GRCh38 VCF-style: chr17-31182529-A-AGG. GRCh37 (hg19) VCF-style: chr17-29509547-A-AGG.
Other names: c.752_753insGG, p.Asp251Glufs (NM_000267.4); c.752_753insGG, p.Asp251fs (NM_001128147.3); short protein forms D251fs.
Identifiers: ClinVar variation 2744670 (VCV002744670.3), dbSNP rs2544753209, ClinGen allele CA2697559682.
Genomic context (GRCh38, chr17:31,182,529, plus strand): 5'-TCCTATCTAATAATGTCATTTAATATATTTTTCATGCAGAATGTGCAGAAAAGCTATTTG[A>AGG]CTTGGTGGATGGTTTTGCTGAAAGCACCAAACGTAAAGCAGCAGTTTGGCCACTACAAAT-3'

ClinVar aggregate classification (germline): Pathogenic (1 of 4 stars; one submission).

Conditions:
Neurofibromatosis, type 1 (NF1). Also called: Peripheral type neurofibromatosis; NEUROFIBROMATOSIS, TYPE I, SOMATIC; VON RECKLINGHAUSEN DISEASE; Neurofibromatosis, type I. Identifiers: Orphanet 636, MedGen C0027831, MONDO:0018975, OMIM 162200. Disease mechanism: loss of function.

Submission:

Labcorp Genetics (formerly Invitae), Labcorp
Classification: Pathogenic for Neurofibromatosis, type 1. Last evaluated: 2023-07-18. Review status: criteria provided, single submitter. Criteria: Invitae Variant Classification Sherloc (09022015). Collection method: clinical testing. Allele origin: germline.
Comment: For these reasons, this variant has been classified as Pathogenic. This variant has not been reported in the literature in individuals affected with NF1-related conditions. This variant is not present in population databases (gnomAD no frequency). This sequence change creates a premature translational stop signal (p.Asp251Glufs*31) in the NF1 gene. It is expected to result in an absent or disrupted protein product. Loss-of-function variants in NF1 are known to be pathogenic (PMID: 10712197, 23913538).

Literature cited by the submitters: PubMed 10712197; PubMed 23913538.